The following is an entry in ClinVar:

NM_199420.4(POLQ):c.4747C>G (p.His1583Asp)

Gene: POLQ (DNA polymerase theta; minus strand). Cytogenetic location: 3q13.33.
Variant type: single nucleotide variant.
Coding change: c.4747C>G on transcript NM_199420.4 (MANE Select); coding-DNA position 4747, C replaced by G.
Protein change: p.His1583Asp; replaces histidine 1583 with aspartic acid.
Molecular consequence: missense variant.
Genome position (GRCh38, 1-based): chr3:121,488,184, G>C on the plus strand (C>G on the coding strand, the complement: POLQ is on the minus strand). VCF-style: chr3-121488184-G-C. GRCh37 (hg19) VCF-style: chr3-121207031-G-C.
Other names: short protein forms H1583D.
Identifiers: ClinVar variation 3422429 (VCV003422429.1).

ClinVar aggregate classification (germline): Uncertain significance (1 of 4 stars; one submission).

gnomAD v4.1: 1 of 1,613,448 alleles (0.000062%); highest among the groups gnomAD compares: Non-Finnish European, 0.000085%; no homozygotes.

Submission:

Ambry Genetics
Classification: Uncertain significance. Last evaluated: 2024-07-01. Review status: criteria provided, single submitter. Criteria: Ambry Variant Classification Scheme 2023. Collection method: clinical testing. Allele origin: germline.
Comment: The p.H1583D variant (also known as c.4747C>G), located in coding exon 16 of the POLQ gene, results from a C to G substitution at nucleotide position 4747. The histidine at codon 1583 is replaced by aspartic acid, an amino acid with similar properties. This amino acid position is conserved. In addition, this alteration is predicted to be tolerated by in silico analysis. Based on the available evidence, the clinical significance of this variant remains unclear.